The following is an entry in ClinVar:

ClinVar aggregate classification (germline): Pathogenic (1 of 4 stars; one submission).

Conditions:
Hereditary diffuse gastric adenocarcinoma (HDGC). Also called: DIFFUSE GASTRIC AND LOBULAR BREAST CANCER SYNDROME. Identifiers: Orphanet 26106, MedGen C1708349, MONDO:0007648, OMIM 137215.

Submission:

Myriad Genetics, Inc.
Classification: Pathogenic for Hereditary diffuse gastric adenocarcinoma. Last evaluated: 2023-06-13. Review status: criteria provided, single submitter. Criteria: Myriad Autosomal Dominant, Autosomal Recessive and X-Linked Classification Criteria (2023). Collection method: clinical testing. Allele origin: unknown.
Comment: This variant is considered pathogenic. This variant creates a frameshift predicted to result in premature protein truncation.

NM_004360.5(CDH1):c.1222dup (p.Ala408fs)

Gene: CDH1 (cadherin 1; plus strand). Cytogenetic location: 16q22.1.
Variant type: Duplication.
Coding change: c.1222dup on transcript NM_004360.5 (MANE Select); coding-DNA position 1222, one base duplicated (G; older notation c.1222dupG).
Protein change: p.Ala408fs; shifts the reading frame from alanine 408.
Molecular consequence: frameshift variant. On other transcripts: 5 prime UTR variant (2), intron variant (1).
Genome position (GRCh38, 1-based): chr16:68,813,397, G duplicated. VCF-style (leftmost placement, unchanged base first): chr16-68813396-A-AG. GRCh37 (hg19) VCF-style: chr16-68847299-A-AG.
Other names: c.-394dup (NM_001317185.2); c.-598dup (NM_001317186.2); c.1137+1134dup (NM_001317184.2); short protein forms A408fs.
Identifiers: ClinVar variation 2583605 (VCV002583605.2), dbSNP rs2543926752, ClinGen allele CA2582342585.